The following is an entry in ClinVar:

ClinVar aggregate classification (germline): Conflicting classifications of pathogenicity. Review status: criteria provided, conflicting classifications (1 of 4 stars). 8 submissions from 8 submitters: Uncertain significance (1); Benign (1); Likely benign (6). Last evaluated 2026-01-07.

Conditions:
TTN-related disorder. Also called: TTN-related condition; TTN-related disease; TTN-related disorders.
Cardiovascular phenotype. Identifiers: MedGen CN230736.
Autosomal recessive limb-girdle muscular dystrophy type 2J (LGMDR10). Also called: Limb-girdle muscular dystrophy, type 2J; MUSCULAR DYSTROPHY, LIMB-GIRDLE, AUTOSOMAL RECESSIVE 10. Identifiers: Orphanet 140922, MedGen C1837342, MONDO:0012127, OMIM 608807.
Dilated cardiomyopathy 1G (CMD1G). Identifiers: Orphanet 154, MedGen C1858763, MONDO:0011400, OMIM 604145.

Allele frequency attached by ClinVar (database versions not stated): gnomAD exomes 0.00002 and 0.00006; ExAC 0.00007; ESP Exome Variant Server 0.00015; 1000 Genomes Project 30x 0.00016; gnomAD 0.00018 and 0.00019; 1000 Genomes Project 0.00020; TOPMed 0.00020.
gnomAD v4.1: 55 of 1,613,504 alleles (0.0034%); highest among the groups gnomAD compares: African/African-American, 0.049%; no homozygotes.

Submissions (8):

Labcorp Genetics (formerly Invitae), Labcorp
Classification: Likely benign for Dilated cardiomyopathy 1G; Autosomal recessive limb-girdle muscular dystrophy type 2J. Last evaluated: 2026-01-07. Review status: criteria provided, single submitter. Criteria: Invitae Variant Classification Sherloc (09022015). Collection method: clinical testing. Allele origin: germline.

PreventionGenetics, part of Exact Sciences
Classification: Likely benign for TTN-related condition. Last evaluated: 2025-11-18. Review status: criteria provided, single submitter. Criteria: ACMG Guidelines, 2015. Collection method: clinical testing. Allele origin: germline.
Comment: This variant is classified as likely benign based on ACMG/AMP sequence variant interpretation guidelines (Richards et al. 2015 PMID: 25741868, with internal and published modifications).

CeGaT Center for Human Genetics Tuebingen
Classification: Likely benign. Last evaluated: 2025-05-01. Review status: criteria provided, single submitter. Criteria: CeGaT Center For Human Genetics Tuebingen Variant Classification Criteria Version 2. Collection method: clinical testing. Allele origin: germline. Affected: yes. Observed: 1 variant allele.
Comment: TTN: BP4, BP7

Athena Diagnostics
Classification: Benign. Last evaluated: 2023-12-08. Review status: criteria provided, single submitter. Criteria: Athena Diagnostics Criteria. Collection method: clinical testing. Allele origin: unknown.

GeneDx
Classification: Likely benign. Last evaluated: 2020-10-01. Review status: criteria provided, single submitter. Criteria: GeneDx Variant Classification Process June 2021. Collection method: clinical testing. Allele origin: germline. Affected: yes.

Ambry Genetics
Classification: Likely benign for Cardiovascular phenotype. Last evaluated: 2018-10-03. Review status: criteria provided, single submitter. Criteria: Ambry Variant Classification Scheme 2023. Collection method: clinical testing. Allele origin: germline.

Eurofins Ntd Llc (ga)
Classification: Uncertain significance. Last evaluated: 2017-01-05. Review status: criteria provided, single submitter. Criteria: EGL Classification Definitions 2015. Collection method: clinical testing. Allele origin: germline. Observed: 2 variant alleles, 2 heterozygotes.

Laboratory for Molecular Medicine, Mass General Brigham Personalized Medicine
Classification: Likely benign. Last evaluated: 2015-11-09. Review status: criteria provided, single submitter. Criteria: LMM Criteria. Collection method: clinical testing. Allele origin: germline. Observed: 1 variant allele.
Comment: p.Thr1023Thr in exon 18 of TTN: This variant is not expected to have clinical si gnificance because it does not alter an amino acid residue and is not located wi thin the splice consensus sequence. It has been identified in 6/10394 African ch romosomes by the Exome Aggregation Consortium (ExAC. org; dbSNP rs37144978).

NM_001267550.2(TTN):c.3069C>T (p.Thr1023=)

Gene: TTN (titin; minus strand). Cytogenetic location: 2q31.2.
Variant type: single nucleotide variant.
Coding change: c.3069C>T on transcript NM_001267550.2 (MANE Select); coding-DNA position 3069, C replaced by T.
Protein change: p.Thr1023=; no amino-acid change (threonine 1023 retained).
Molecular consequence: synonymous variant.
Genome position (GRCh38, 1-based): chr2:178,782,837, G>A on the plus strand (C>T on the coding strand, the complement: TTN is on the minus strand). VCF-style: chr2-178782837-G-A. GRCh37 (hg19) VCF-style: chr2-179647564-G-A.
Other names: c.2931C>T, p.Thr977= (NM_003319.4, NM_133432.3, NM_133437.4); c.3069C>T, p.Thr1023= (NM_133379.5, NM_001256850.1, NM_133378.4); c.3069C>T (NM_001267550.1).
Identifiers: ClinVar variation 228086 (VCV000228086.35), dbSNP rs371447978, ClinGen allele CA2005658.
Genomic context (GRCh38, chr2:178,782,837, plus strand): 5'-ATTAGGACTGTGGGAGGGTGGCCACTAACCCTGCACAGCCAGATAGCAGGATGTGCTGAC[G>A]GTTCCAGCCTCATTTACAGCACTGCAAGTAAATCGCCCGCTGTCTTCCGCAAATGCTTCG-3'
Protein context (NP_001254479.2, residues 1013-1033): FTCSAVNEAG[Thr1023=]VSTSCYLAVQ